The following is an entry in ClinVar:

NM_015178.3(RHOBTB2):c.1772-10T>G

Gene: RHOBTB2 (Rho related BTB domain containing 2; plus strand). Cytogenetic location: 8p21.3.
Variant type: single nucleotide variant.
Coding change: c.1772-10T>G on transcript NM_015178.3 (MANE Select); 10 bases into the intron before coding-DNA position 1772, T replaced by G.
Molecular consequence: intron variant.
Genome position (GRCh38, 1-based): chr8:23,014,680, T>G. VCF-style: chr8-23014680-T-G. GRCh37 (hg19) VCF-style: chr8-22872193-T-G.
Other names: c.1838-10T>G (NM_001160036.2); c.1793-10T>G (NM_001160037.2); c.1772-10T>G (NM_001374791.1).
Identifiers: ClinVar variation 2013827 (VCV002013827.4), dbSNP rs1417104079, ClinGen allele CA849977164.

ClinVar aggregate classification (germline): Uncertain significance (1 of 4 stars; one submission).

Allele frequency attached by ClinVar (database versions not stated): gnomAD exomes below 0.00001; TOPMed 0.00001.
gnomAD v4.1: 1 of 1,613,028 alleles (0.000062%); highest among the groups gnomAD compares: African/African-American, 0.0013%; no homozygotes.

Submission:

Labcorp Genetics (formerly Invitae), Labcorp
Classification: Uncertain significance. Last evaluated: 2022-07-03. Review status: criteria provided, single submitter. Criteria: Invitae Variant Classification Sherloc (09022015). Collection method: clinical testing. Allele origin: germline.
Comment: In summary, the available evidence is currently insufficient to determine the role of this variant in disease. Therefore, it has been classified as a Variant of Uncertain Significance. Algorithms developed to predict the effect of sequence changes on RNA splicing suggest that this variant may create or strengthen a splice site. This variant has not been reported in the literature in individuals affected with RHOBTB2-related conditions. This variant is not present in population databases (gnomAD no frequency). This sequence change falls in intron 9 of the RHOBTB2 gene. It does not directly change the encoded amino acid sequence of the RHOBTB2 protein.